The following is an entry in ClinVar:

NM_177438.3(DICER1):c.5018_5021del (p.Ile1673fs)

Gene: DICER1 (dicer 1, ribonuclease III; minus strand). Cytogenetic location: 14q32.13.
Variant type: Deletion.
Coding change: c.5018_5021del on transcript NM_177438.3 (MANE Select); coding-DNA positions 5018 to 5021, 4 bases deleted (TCAA; older notation c.5018_5021delTCAA).
Protein change: p.Ile1673fs; shifts the reading frame from isoleucine 1673.
Molecular consequence: frameshift variant.
Genome position (GRCh38, 1-based): chr14:95,095,899-95,095,902, TTGA deleted on the plus strand (TCAA on the coding strand, the reverse complement: DICER1 is on the minus strand); deleting any 4 consecutive bases within chr14:95,095,899-95,095,904 gives the same sequence; the c. name uses the placement nearest the transcript's 3' end. VCF-style (leftmost placement, unchanged base first): chr14-95095898-GTTGA-G. GRCh37 (hg19) VCF-style: chr14-95562235-GTTGA-G.
Other names: c.5018_5021del, p.Ile1673fs (NM_001195573.1, NM_001271282.3, NM_001291628.2 and 1 more transcripts); short protein forms I1673fs.
Identifiers: ClinVar variation 933122 (VCV000933122.7), dbSNP rs1890265960, ClinGen allele CA1139663696.
Genomic context (GRCh38, chr14:95,095,898, plus strand): 5'-GTAGTGGTAGGAGGCATGTGTAAAAGCCTGGAGAAGGTAAGCCTTATTCTTGAATCTGTA[GTTGA>G]TTTTCTTTTCAAAATTTTCAAACCCCGATATAAGGTGATTCAGTGTTTTATCTGCATCTG-3'

ClinVar aggregate classification (germline): Pathogenic. Review status: criteria provided, multiple submitters, no conflicts (2 of 4 stars). 3 submissions from 3 submitters: Pathogenic (3). Last evaluated 2025-05-16.

Conditions:
DICER1-related tumor predisposition. Also called: DICER1-related pleuropulmonary blastoma cancer predisposition syndrome; DICER1 syndrome. Identifiers: Orphanet 284343, MedGen C3839822, MONDO:0100216.
Hereditary cancer-predisposing syndrome. Also called: Tumor predisposition; Hereditary neoplastic syndrome; Neoplastic Syndromes, Hereditary; Hereditary Cancer Syndrome. Identifiers: Orphanet 140162, MedGen C0027672, MeSH D009386, MONDO:0015356.

Submissions (3):

Ambry Genetics
Classification: Pathogenic for Hereditary cancer-predisposing syndrome. Last evaluated: 2025-05-16. Review status: criteria provided, single submitter. Criteria: Ambry Variant Classification Scheme 2023. Collection method: clinical testing. Allele origin: germline.
Comment: The c.5018_5021delTCAA pathogenic mutation, located in coding exon 22 of the DICER1 gene, results from a deletion of 4 nucleotides at nucleotide positions 5018 to 5021, causing a translational frameshift with a predicted alternate stop codon (p.I1673Tfs*31). This variant was reported in individual(s) with features consistent with DICER1-related tumor predisposition syndrome (Rio Frio T et al. JAMA, 2011 Jan;305:68-77). This variant is considered to be rare based on population cohorts in the Genome Aggregation Database (gnomAD). In addition to the clinical data presented in the literature, this alteration is expected to result in loss of function by premature protein truncation or nonsense-mediated mRNA decay. As such, this alteration is interpreted as a disease-causing mutation.

Labcorp Genetics (formerly Invitae), Labcorp
Classification: Pathogenic for DICER1-related tumor predisposition. Last evaluated: 2023-02-14. Review status: criteria provided, single submitter. Criteria: Invitae Variant Classification Sherloc (09022015). Collection method: clinical testing. Allele origin: germline.
Comment: ClinVar contains an entry for this variant (Variation ID: 933122). For these reasons, this variant has been classified as Pathogenic. This premature translational stop signal has been observed in individual(s) with DICER1-related conditions (PMID: 21205968). This variant is not present in population databases (gnomAD no frequency). This sequence change creates a premature translational stop signal (p.Ile1673Thrfs*31) in the DICER1 gene. It is expected to result in an absent or disrupted protein product. Loss-of-function variants in DICER1 are known to be pathogenic (PMID: 19556464, 21266384).

Foulkes Cancer Genetics LDI, Lady Davis Institute for Medical Research
Classification: Pathogenic for Pleuropulmonary blastoma. Last evaluated: 2019-07-01. Review status: criteria provided, single submitter. Criteria: ACMG Guidelines, 2015. Collection method: curation. Allele origin: germline. Affected: yes and no. Observed: 2 variant alleles.
Comment: ACMG criteria met: PVS1, PM2, PP4

Literature cited by the submitters: PubMed 21205968 (cited by 3 submitters); PubMed 19556464 (cited by Labcorp Genetics (formerly Invitae), Labcorp); PubMed 21266384 (cited by Labcorp Genetics (formerly Invitae), Labcorp); PubMed 22187960 (cited by Foulkes Cancer Genetics LDI, Lady Davis Institute for Medical Research).